The following is an entry in ClinVar:

ClinVar aggregate classification (germline): Likely benign (1 of 4 stars; one submission).

Allele frequency attached by ClinVar (database versions not stated): gnomAD 0.00001; gnomAD exomes 0.00001; TOPMed 0.00001.
gnomAD v4.1: 19 of 1,613,894 alleles (0.0012%); highest among the groups gnomAD compares: Non-Finnish European, 0.0014%; no homozygotes.

Submission:

CeGaT Center for Human Genetics Tuebingen
Classification: Likely benign. Last evaluated: 2023-06-01. Review status: criteria provided, single submitter. Criteria: CeGaT Center For Human Genetics Tuebingen Variant Classification Criteria Version 2. Collection method: clinical testing. Allele origin: germline. Affected: yes. Observed: 1 variant allele.
Comment: LMX1B: BP4, BP7

NM_001174147.2(LMX1B):c.462C>T (p.Asp154=)

Gene: LMX1B (LIM homeobox transcription factor 1 beta; plus strand). Cytogenetic location: 9q33.3.
Variant type: single nucleotide variant.
Coding change: c.462C>T on transcript NM_001174147.2 (MANE Select); coding-DNA position 462, C replaced by T.
Protein change: p.Asp154=; no amino-acid change (aspartic acid 154 retained).
Molecular consequence: synonymous variant.
Genome position (GRCh38, 1-based): chr9:126,690,971, C>T. VCF-style: chr9-126690971-C-T. GRCh37 (hg19) VCF-style: chr9-129453250-C-T.
Other names: c.462C>T, p.Asp154= (NM_001174146.2, NM_002316.4).
Identifiers: ClinVar variation 2659498 (VCV002659498.24), dbSNP rs1389669108, ClinGen allele CA467211195.